The following is an entry in ClinVar:

ClinVar aggregate classification (germline): Uncertain significance (1 of 4 stars; one submission).

Submission:

Labcorp Genetics (formerly Invitae), Labcorp
Classification: Uncertain significance. Last evaluated: 2023-08-04. Review status: criteria provided, single submitter. Criteria: Invitae Variant Classification Sherloc (09022015). Collection method: clinical testing. Allele origin: germline.
Comment: In summary, the available evidence is currently insufficient to determine the role of this variant in disease. Therefore, it has been classified as a Variant of Uncertain Significance. Experimental studies and prediction algorithms are not available or were not evaluated, and the functional significance of this variant is currently unknown. ClinVar contains an entry for this variant (Variation ID: 1974137). This variant has not been reported in the literature in individuals affected with KCNK4-related conditions. This variant is not present in population databases (gnomAD no frequency). This sequence change results in a frameshift in the KCNK4 gene (p.Pro392Argfs*26). While this is not anticipated to result in nonsense mediated decay, it is expected to disrupt the last 2 amino acid(s) of the KCNK4 protein and extend the protein by 23 additional amino acid residues.

NM_033310.3(KCNK4):c.1175del (p.Pro392fs)

Genes: KCNK4 (potassium two pore domain channel subfamily K member 4; plus strand), KCNK4-CATSPERZ (KCNK4-CATSPERZ readthrough (NMD candidate); plus strand). Cytogenetic location: 11q13.1.
Variant type: Deletion.
Coding change: c.1175del on transcript NM_033310.3 (MANE Select); coding-DNA position 1175, one base deleted (C; older notation c.1175delC).
Protein change: p.Pro392fs; shifts the reading frame from proline 392.
Molecular consequence: frameshift variant. On other transcripts: non-coding transcript variant (3).
Genome position (GRCh38, 1-based): chr11:64,299,719, C deleted; the last of 2 consecutive C bases (chr11:64,299,718-64,299,719); deleting either gives the same sequence. VCF-style (leftmost placement, unchanged base first): chr11-64299717-GC-G. GRCh37 (hg19) VCF-style: chr11-64067189-GC-G.
Other names: c.1175del, p.Pro392fs (NM_001317090.2); c.1175delC, p.Pro392Argfs (NM_033311.1); short protein forms P392fs.
Identifiers: ClinVar variation 1974137 (VCV001974137.5), dbSNP rs2495704379, ClinGen allele CA2580084416.
Genomic context (GRCh38, chr11:64,299,717, plus strand): 5'-AAATCCCCCCAGGAAGCCCGTGCGGCCCCGCGGCCCCGGGCGTCCCCGAGACAAAGGCGT[GC>G]CGGTGTAGGGGCAGGATCCCTGGCCGGGCCTCTCAAGGGCTTCGTTTCTGCTCTCCCCGG-3'